The following is an entry in ClinVar:

NM_001286577.2(C2CD3):c.6251C>G (p.Thr2084Ser)

Gene: C2CD3 (C2 domain containing 3 centriole elongation regulator; minus strand). Cytogenetic location: 11q13.4.
Variant type: single nucleotide variant.
Coding change: c.6251C>G on transcript NM_001286577.2 (MANE Select); coding-DNA position 6251, C replaced by G.
Protein change: p.Thr2084Ser; replaces threonine 2084 with serine.
Molecular consequence: missense variant.
Genome position (GRCh38, 1-based): chr11:74,033,909, G>C on the plus strand (C>G on the coding strand, the complement: C2CD3 is on the minus strand). VCF-style: chr11-74033909-G-C. GRCh37 (hg19) VCF-style: chr11-73744954-G-C.
Other names: c.6251C>G (NM_001286577.1); short protein forms T2084S.
Identifiers: ClinVar variation 1589925 (VCV001589925.12), dbSNP rs562313391, ClinGen allele CA6181717.

ClinVar aggregate classification (germline): Conflicting classifications of pathogenicity. Review status: criteria provided, conflicting classifications (1 of 4 stars). 4 submissions from 4 submitters: Uncertain significance (2); Likely benign (1). 1 of the submissions does not count toward it. Last evaluated 2025-06-04.

Conditions:
C2CD3-related disorder. Also called: C2CD3-related condition.

Allele frequency attached by ClinVar (database versions not stated): 1000 Genomes Project 30x 0.00031; 1000 Genomes Project 0.00040; TOPMed 0.00003; gnomAD 0.00010; gnomAD exomes 0.00021 and 0.00052; ExAC 0.00207.
gnomAD v4.1: 310 of 1,536,278 alleles (0.02%); highest among the groups gnomAD compares: South Asian, 0.35%; 1 homozygote.

Submissions (4):

Labcorp Genetics (formerly Invitae), Labcorp
Classification: Likely benign. Last evaluated: 2025-06-04. Review status: criteria provided, single submitter. Criteria: Invitae Variant Classification Sherloc (09022015). Collection method: clinical testing. Allele origin: germline.

Blueprint Genetics
Classification: Uncertain significance. Last evaluated: 2024-10-25. Review status: criteria provided, single submitter. Criteria: ACMG Guidelines, 2015. Collection method: clinical testing. Allele origin: germline.

GeneDx
Classification: Uncertain significance. Last evaluated: 2023-10-23. Review status: criteria provided, single submitter. Criteria: GeneDx Variant Classification Process June 2021. Collection method: clinical testing. Allele origin: germline. Affected: yes.
Comment: In silico analysis supports that this missense variant does not alter protein structure/function; Reported using an alternate transcript of the gene; Has not been previously published as pathogenic or benign to our knowledge

PreventionGenetics, part of Exact Sciences
Classification: Likely benign for C2CD3-related condition. Last evaluated: 2019-11-08. Review status: no assertion criteria provided. Collection method: clinical testing. Allele origin: germline. Not counted in ClinVar's aggregate classification.
Comment: This variant is classified as likely benign based on ACMG/AMP sequence variant interpretation guidelines (Richards et al. 2015 PMID: 25741868, with internal and published modifications).